The following is an entry in ClinVar:

NM_000548.5(TSC2):c.1840-14C>T

Gene: TSC2 (TSC complex subunit 2; plus strand). Cytogenetic location: 16p13.3.
Variant type: single nucleotide variant.
Coding change: c.1840-14C>T on transcript NM_000548.5 (MANE Select); 14 bases into the intron before coding-DNA position 1840, C replaced by T.
Molecular consequence: intron variant.
Genome position (GRCh38, 1-based): chr16:2,071,496, C>T. VCF-style: chr16-2071496-C-T. GRCh37 (hg19) VCF-style: chr16-2121497-C-T.
Other names: c.1840-14C>T (NM_001114382.3, NM_021055.3, NM_001370405.1 and 3 more transcripts); c.1729-14C>T (NM_001318827.2); c.1240-14C>T (NM_001318831.2); c.1693-14C>T (NM_001318829.2); c.1873-14C>T (NM_001318832.2).
Identifiers: ClinVar variation 1575907 (VCV001575907.12), dbSNP rs539450042, ClinGen allele CA034013.

ClinVar aggregate classification (germline): Benign/Likely benign. Review status: criteria provided, multiple submitters, no conflicts (2 of 4 stars). 5 submissions from 5 submitters: Benign (3); Likely benign (2). Last evaluated 2026-01-10.

Conditions:
Tuberous sclerosis syndrome (TSC). Also called: Tuberous Sclerosis Complex; Tuberous sclerosis. Identifiers: Orphanet 805, MedGen C0041341, MONDO:0001734.
Tuberous sclerosis 2 (TSC2). Identifiers: Orphanet 805, MedGen C1860707, MONDO:0013199, OMIM 613254.

Allele frequency attached by ClinVar (database versions not stated): TOPMed below 0.00001; gnomAD 0.00001 and 0.00003; ExAC 0.00004; gnomAD exomes 0.00004; 1000 Genomes Project 30x 0.00016; 1000 Genomes Project 0.00020.
gnomAD v4.1: 48 of 1,613,436 alleles (0.003%); highest among the groups gnomAD compares: South Asian, 0.045%; 1 homozygote.

Submissions (5):

Labcorp Genetics (formerly Invitae), Labcorp
Classification: Likely benign for Tuberous sclerosis 2. Last evaluated: 2026-01-10. Review status: criteria provided, single submitter. Criteria: Invitae Variant Classification Sherloc (09022015). Collection method: clinical testing. Allele origin: germline.

Myriad Genetics, Inc.
Classification: Benign for Tuberous sclerosis 2. Last evaluated: 2024-09-09. Review status: criteria provided, single submitter. Criteria: Myriad Autosomal Dominant, Autosomal Recessive and X-Linked Classification Criteria (2023). Collection method: clinical testing. Allele origin: unknown.
Comment: This variant is considered benign. This variant is intronic and is not expected to impact mRNA splicing. This variant has been observed at a population frequency that is significantly greater than expected given the associated disease prevalence and penetrance.

All of Us Research Program, National Institutes of Health
Classification: Benign for Tuberous sclerosis syndrome. Last evaluated: 2023-11-30. Review status: criteria provided, single submitter. Criteria: ACMG Guidelines, 2015. Collection method: clinical testing. Allele origin: germline. Inheritance: Autosomal dominant inheritance. Observed: 4 variant alleles, 4 heterozygotes.
Comment: This study involves interpretation of variants in research participants for the purpose of population health screening. Participant phenotype was not available at the time of variant classification. Additional details can be found in publication PMID: 35346344, PMCID: PMC8962531

Color Diagnostics, LLC DBA Color Health
Classification: Benign for Tuberous sclerosis syndrome. Last evaluated: 2022-09-20. Review status: criteria provided, single submitter. Criteria: ACMG Guidelines, 2015. Collection method: clinical testing. Allele origin: germline.

Blueprint Genetics
Classification: Likely benign. Last evaluated: 2022-09-07. Review status: criteria provided, single submitter. Criteria: ACMG Guidelines, 2015. Collection method: clinical testing. Allele origin: germline.